The following is an entry in ClinVar:

ClinVar aggregate classification (germline): Pathogenic. Review status: reviewed by expert panel (3 of 4 stars). 4 submissions from 4 submitters: Pathogenic (1). 3 of the submissions do not count toward it. Last evaluated 2017-12-15.

Conditions:
Breast-ovarian cancer, familial, susceptibility to, 2 (BROVCA2). Also called: BRCA2 Hereditary Breast and Ovarian Cancer. Identifiers: Orphanet 145, MedGen C2675520, MONDO:0012933, OMIM 612555. Disease mechanism: loss of function.
Hereditary cancer-predisposing syndrome. Also called: Hereditary Cancer Syndrome; Hereditary neoplastic syndrome; Tumor predisposition; Neoplastic Syndromes, Hereditary. Identifiers: Orphanet 140162, MedGen C0027672, MeSH D009386, MONDO:0015356.
Hereditary breast ovarian cancer syndrome. Also called: Hereditary breast and ovarian cancer syndrome; BRCA1- and BRCA2-Associated Hereditary Breast and Ovarian Cancer; Hereditary breast and ovarian cancer syndrome (HBOC); Hereditary breast and/or ovarian cancer syndrome; Hereditary breast and ovarian cancer; Breast and ovarian cancer. Identifiers: Orphanet 145, MedGen C0677776, MeSH D061325, MONDO:0003582. Disease mechanism: loss of function.

Submissions (4):

Evidence-based Network for the Interpretation of Germline Mutant Alleles (ENIGMA)
Classification: Pathogenic for Breast-ovarian cancer, familial, susceptibility to, 2. Last evaluated: 2017-12-15. Review status: reviewed by expert panel. Criteria: ENIGMA BRCA1/2 Classification Criteria (2017-06-29). Collection method: curation. Allele origin: germline. Study: ENIGMA.
Comment: Variant allele predicted to encode a truncated non-functional protein.

Labcorp Genetics (formerly Invitae), Labcorp
Classification: Pathogenic for Hereditary breast ovarian cancer syndrome. Last evaluated: 2025-05-28. Review status: criteria provided, single submitter. Criteria: Invitae Variant Classification Sherloc (09022015). Collection method: clinical testing. Allele origin: germline. Not counted in ClinVar's aggregate classification.
Comment: This sequence change creates a premature translational stop signal (p.Phe1449*) in the BRCA2 gene. It is expected to result in an absent or disrupted protein product. Loss-of-function variants in BRCA2 are known to be pathogenic (PMID: 20104584). This variant is not present in population databases (gnomAD no frequency). This variant has not been reported in the literature in individuals affected with BRCA2-related conditions. ClinVar contains an entry for this variant (Variation ID: 438978). For these reasons, this variant has been classified as Pathogenic.

Ambry Genetics
Classification: Pathogenic for Hereditary cancer-predisposing syndrome. Last evaluated: 2024-03-26. Review status: criteria provided, single submitter. Criteria: Ambry Variant Classification Scheme 2023. Collection method: clinical testing. Allele origin: germline. Not counted in ClinVar's aggregate classification.
Comment: The c.4346_4350delTCTTT pathogenic mutation, located in coding exon 10 of the BRCA2 gene, results from a deletion of 5 nucleotides at nucleotide positions 4346 to 4350, causing a translational frameshift with a predicted alternate stop codon (p.F1449*). This variant is considered to be rare based on population cohorts in the Genome Aggregation Database (gnomAD). This alteration is expected to result in loss of function by premature protein truncation or nonsense-mediated mRNA decay. As such, this alteration is interpreted as a disease-causing mutation.

Quest Diagnostics Nichols Institute San Juan Capistrano
Classification: Pathogenic. Last evaluated: 2016-10-27. Review status: criteria provided, single submitter. Criteria: Quest Diagnostics criteria. Collection method: clinical testing. Allele origin: germline. Not counted in ClinVar's aggregate classification.

Literature cited by the submitters: PubMed 20104584 (cited by Labcorp Genetics (formerly Invitae), Labcorp).

NM_000059.4(BRCA2):c.4346_4350del (p.Asn1448_Phe1449insTer)

Gene: BRCA2 (BRCA2 DNA repair associated; plus strand). Cytogenetic location: 13q13.1.
Variant type: Deletion.
Coding change: c.4346_4350del on transcript NM_000059.4 (MANE Select); coding-DNA positions 4346 to 4350, 5 bases deleted (TCTTT; older notation c.4346_4350delTCTTT).
Protein change: p.Asn1448_Phe1449insTer.
Molecular consequence: nonsense.
Genome position (GRCh38, 1-based): chr13:32,338,701-32,338,705, TCTTT deleted; deleting any 5 consecutive bases within chr13:32,338,699-32,338,705 gives the same sequence; the c. name uses the placement nearest the transcript's 3' end. VCF-style (leftmost placement, unchanged base first): chr13-32338698-ATTTCT-A. GRCh37 (hg19) VCF-style: chr13-32912835-ATTTCT-A.
Other names: c.4346_4350delTCTTT (NM_000059.3).
Identifiers: ClinVar variation 438978 (VCV000438978.12), dbSNP rs1555283735, ClinGen allele CA645509346.
Genomic context (GRCh38, chr13:32,338,698, plus strand): 5'-TTCAGACTGCAAGTGGGAAAAATATTAGTGTCGCCAAAGAGTCATTTAATAAAATTGTAA[ATTTCT>A]TTGATCAGAAACCAGAAGAATTGCATAACTTTTCCTTAAATTCTGAATTACATTCTGACA-3'